The following is an entry in ClinVar:

NM_025132.4(WDR19):c.2521G>A (p.Val841Ile)

Gene: WDR19 (WD repeat domain 19; plus strand). Cytogenetic location: 4p14.
Variant type: single nucleotide variant.
Coding change: c.2521G>A on transcript NM_025132.4 (MANE Select); coding-DNA position 2521, G replaced by A.
Protein change: p.Val841Ile; replaces valine 841 with isoleucine.
Molecular consequence: missense variant.
Genome position (GRCh38, 1-based): chr4:39,244,347, G>A. VCF-style: chr4-39244347-G-A. GRCh37 (hg19) VCF-style: chr4-39245967-G-A.
Other names: c.2041G>A, p.Val681Ile (NM_001317924.2); short protein forms V841I, V681I.
Identifiers: ClinVar variation 1519286 (VCV001519286.8), dbSNP rs1349223638, ClinGen allele CA356637449.

ClinVar aggregate classification (germline): Uncertain significance (1 of 4 stars; one submission).

Conditions:
Asphyxiating thoracic dystrophy 5 (SRTD5). Also called: SHORT-RIB THORACIC DYSPLASIA 5 WITH OR WITHOUT POLYDACTYLY; SHORT-RIB THORACIC DYSPLASIA 5 WITHOUT POLYDACTYLY. Identifiers: Orphanet 474, MedGen C3280598, MONDO:0013717, OMIM 614376.
Senior-Loken syndrome 8 (SLSN8). Identifiers: Orphanet 3156, MedGen C4225376, MONDO:0014579, OMIM 616307.

Allele frequency attached by ClinVar (database versions not stated): TOPMed below 0.00001; gnomAD 0.00001.
gnomAD v4.1: 1 of 1,613,836 alleles (0.000062%); highest among the groups gnomAD compares: Non-Finnish European, 0.000085%; no homozygotes.

Submission:

Labcorp Genetics (formerly Invitae), Labcorp
Classification: Uncertain significance for Senior-Loken syndrome 8; Asphyxiating thoracic dystrophy 5. Last evaluated: 2022-07-06. Review status: criteria provided, single submitter. Criteria: Invitae Variant Classification Sherloc (09022015). Collection method: clinical testing. Allele origin: germline.
Comment: In summary, the available evidence is currently insufficient to determine the role of this variant in disease. Therefore, it has been classified as a Variant of Uncertain Significance. Algorithms developed to predict the effect of missense changes on protein structure and function output the following: SIFT: "Tolerated"; PolyPhen-2: "Benign"; Align-GVGD: "Class C0". The isoleucine amino acid residue is found in multiple mammalian species, which suggests that this missense change does not adversely affect protein function. ClinVar contains an entry for this variant (Variation ID: 1519286). This variant has not been reported in the literature in individuals affected with WDR19-related conditions. This variant is not present in population databases (gnomAD no frequency). This sequence change replaces valine, which is neutral and non-polar, with isoleucine, which is neutral and non-polar, at codon 841 of the WDR19 protein (p.Val841Ile).